The following is an entry in ClinVar:

NM_001369268.1(ACAN):c.1118A>T (p.Gln373Leu)

Gene: ACAN (aggrecan; plus strand). Cytogenetic location: 15q26.1.
Variant type: single nucleotide variant.
Coding change: c.1118A>T on transcript NM_001369268.1 (MANE Select); coding-DNA position 1118, A replaced by T.
Protein change: p.Gln373Leu; replaces glutamine 373 with leucine.
Molecular consequence: missense variant.
Genome position (GRCh38, 1-based): chr15:88,845,571, A>T. VCF-style: chr15-88845571-A-T. GRCh37 (hg19) VCF-style: chr15-89388802-A-T.
Other names: c.1118A>T, p.Gln373Leu (NM_001135.4, NM_001411096.1, NM_001411097.1 and 1 more transcripts); short protein forms Q373L.
Identifiers: ClinVar variation 2110127 (VCV002110127.4), dbSNP rs1356248639, ClinGen allele CA393709415.
Genomic context (GRCh38, chr15:88,845,571, plus strand): 5'-ACTTTGTGGACATCCCAGAAAACTTCTTTGGAGTGGGGGGTGAGGAGGACATCACCGTCC[A>T]GACAGTGACCTGGCCTGACATGGAGCTGCCACTGCCTCGAAACATCACTGAGGGTGAAGC-3'
Protein context (NP_001356197.1, residues 363-383): GVGGEEDITV[Gln373Leu]TVTWPDMELP

ClinVar aggregate classification (germline): Uncertain significance (1 of 4 stars; one submission).

Allele frequency attached by ClinVar (database versions not stated): gnomAD exomes 0.00001; TOPMed below 0.00001.
gnomAD v4.1: 4 of 1,614,024 alleles (0.00025%); highest among the groups gnomAD compares: South Asian, 0.0044%; no homozygotes.

Submission:

Labcorp Genetics (formerly Invitae), Labcorp
Classification: Uncertain significance. Last evaluated: 2025-11-03. Review status: criteria provided, single submitter. Criteria: Invitae Variant Classification Sherloc (09022015). Collection method: clinical testing. Allele origin: germline.
Comment: This sequence change replaces glutamine, which is neutral and polar, with leucine, which is neutral and non-polar, at codon 373 of the ACAN protein (p.Gln373Leu). This variant is present in population databases (no rsID available, gnomAD 0.003%). This variant has not been reported in the literature in individuals affected with ACAN-related conditions. ClinVar contains an entry for this variant (Variation ID: 2110127). Invitae Evidence Modeling of protein sequence and biophysical properties (such as structural, functional, and spatial information, amino acid conservation, physicochemical variation, residue mobility, and thermodynamic stability) indicates that this missense variant is not expected to disrupt ACAN protein function with a negative predictive value of 80%. In summary, the available evidence is currently insufficient to determine the role of this variant in disease. Therefore, it has been classified as a Variant of Uncertain Significance.